The following is an entry in ClinVar:

NM_019888.3(MC3R):c.768C>G (p.Ala256=)

Gene: MC3R (melanocortin 3 receptor; plus strand). Cytogenetic location: 20q13.2.
Variant type: single nucleotide variant.
Coding change: c.768C>G on transcript NM_019888.3 (MANE Select); coding-DNA position 768, C replaced by G.
Protein change: p.Ala256=; no amino-acid change (alanine 256 retained).
Molecular consequence: synonymous variant.
Genome position (GRCh38, 1-based): chr20:56,249,611, C>G. VCF-style: chr20-56249611-C-G. GRCh37 (hg19) VCF-style: chr20-54824667-C-G.
Identifiers: ClinVar variation 3353794 (VCV003353794.1).

ClinVar aggregate classification (germline): Likely benign (0 of 4 stars; one submission).

Conditions:
MC3R-related disorder. Also called: MC3R-related condition.

Submission:

PreventionGenetics, part of Exact Sciences
Classification: Likely benign for MC3R-related condition. Last evaluated: 2022-09-30. Review status: no assertion criteria provided. Collection method: clinical testing. Allele origin: germline.
Comment: This variant is classified as likely benign based on ACMG/AMP sequence variant interpretation guidelines (Richards et al. 2015 PMID: 25741868, with internal and published modifications).